The following is an entry in ClinVar:

ClinVar aggregate classification (germline): Benign (1 of 4 stars; one submission).

Conditions:
Retinoblastoma (RB1). Also called: RETINOBLASTOMA, SOMATIC. Identifiers: Orphanet 790, MedGen C0035335, MeSH D012175, MONDO:0008380, OMIM 180200, HP:0009919. Disease mechanism: loss of function. Inheritance: Both sporadic and heritable forms are tested..

Submission:

Myriad Genetics, Inc.
Classification: Benign for Retinoblastoma. Last evaluated: 2026-06-23. Review status: criteria provided, single submitter. Criteria: Myriad Autosomal Dominant, Autosomal Recessive and X-Linked Classification Criteria (2023). Collection method: clinical testing. Allele origin: unknown.
Comment: This variant is considered benign. This variant is a silent/synonymous amino acid change and it is not expected to impact splicing.

NM_000321.3(RB1):c.210C>T (p.Val70=)

Gene: RB1 (RB transcriptional corepressor 1; plus strand). Cytogenetic location: 13q14.2.
Variant type: single nucleotide variant.
Coding change: c.210C>T on transcript NM_000321.3 (MANE Select); coding-DNA position 210, C replaced by T.
Protein change: p.Val70=; no amino-acid change (valine 70 retained).
Molecular consequence: synonymous variant.
Genome position (GRCh38, 1-based): chr13:48,307,352, C>T. VCF-style: chr13-48307352-C-T. GRCh37 (hg19) VCF-style: chr13-48881488-C-T.
Other names: c.210C>T, p.Val70= (NM_001407165.1, NM_001407166.1, NM_001407167.1).
Identifiers: ClinVar variation 4876074 (VCV004876074.1).